The following is an entry in ClinVar:

ClinVar aggregate classification (germline): Likely benign (1 of 4 stars; one submission).

Submission:

Mayo Clinic Laboratories, Mayo Clinic
Classification: Likely benign. Last evaluated: 2025-09-09. Review status: criteria provided, single submitter. Criteria: ACMG Guidelines, 2015. Collection method: clinical testing. Allele origin: germline. Observed: 1 variant allele.
Comment: BP4, BP7

NM_001267550.2(TTN):c.55632C>T (p.Leu18544=)

Genes: TTN (titin; minus strand), TTN-AS1 (TTN antisense RNA 1; plus strand). Cytogenetic location: 2q31.2.
Variant type: single nucleotide variant.
Coding change: c.55632C>T on transcript NM_001267550.2 (MANE Select); coding-DNA position 55632, C replaced by T.
Protein change: p.Leu18544=; no amino-acid change (leucine 18544 retained).
Molecular consequence: synonymous variant.
Genome position (GRCh38, 1-based): chr2:178,601,365, G>A on the plus strand (C>T on the coding strand, the complement: TTN is on the minus strand). VCF-style: chr2-178601365-G-A. GRCh37 (hg19) VCF-style: chr2-179466092-G-A.
Other names: p.Leu16903=; c.28812C>T, p.Leu9604= (NM_133432.3); c.29013C>T, p.Leu9671= (NM_133437.4); c.50709C>T, p.Leu16903= (NM_001256850.1); c.28437C>T, p.Leu9479= (NM_003319.4); c.47928C>T, p.Leu15976= (NM_133378.4).
Identifiers: ClinVar variation 4684613 (VCV004684613.1).